The following is an entry in ClinVar:

ClinVar aggregate classification (germline): Uncertain significance. Review status: criteria provided, multiple submitters, no conflicts (2 of 4 stars). 2 submissions from 2 submitters: Uncertain significance (2). Last evaluated 2025-01-07.

Conditions:
Brugada syndrome. Also called: Sudden unexpected nocturnal death syndrome; Sudden unexplained nocturnal death syndrome; Sudden Unexplained Death Syndrome; Sudden Unexplained Nocturnal Death Syndrome (SUNDS). Identifiers: Orphanet 130, MedGen C1142166, MONDO:0015263.

Allele frequency attached by ClinVar (database versions not stated): gnomAD exomes below 0.00001; TOPMed below 0.00001.

Submissions (2):

Labcorp Genetics (formerly Invitae), Labcorp
Classification: Uncertain significance for Brugada syndrome. Last evaluated: 2025-01-07. Review status: criteria provided, single submitter. Criteria: Invitae Variant Classification Sherloc (09022015). Collection method: clinical testing. Allele origin: germline.
Comment: This sequence change replaces valine, which is neutral and non-polar, with methionine, which is neutral and non-polar, at codon 803 of the SLMAP protein (p.Val803Met). The frequency data for this variant in the population databases is considered unreliable, as metrics indicate poor data quality at this position in the gnomAD database. This variant has not been reported in the literature in individuals affected with SLMAP-related conditions. ClinVar contains an entry for this variant (Variation ID: 1790815). An algorithm developed to predict the effect of missense changes on protein structure and function (PolyPhen-2) suggests that this variant is likely to be disruptive. In summary, the available evidence is currently insufficient to determine the role of this variant in disease. Therefore, it has been classified as a Variant of Uncertain Significance.

Ambry Genetics
Classification: Uncertain significance. Last evaluated: 2024-01-17. Review status: criteria provided, single submitter. Criteria: Ambry Variant Classification Scheme 2023. Collection method: clinical testing. Allele origin: germline.
Comment: The p.V803M variant (also known as c.2407G>A), located in coding exon 21 of the SLMAP gene, results from a G to A substitution at nucleotide position 2407. The valine at codon 803 is replaced by methionine, an amino acid with highly similar properties. This amino acid position is conserved. In addition, this alteration is predicted to be tolerated by in silico analysis. Since supporting evidence is limited at this time, the clinical significance of this alteration remains unclear.

NM_001377540.1(SLMAP):c.*70G>A

Gene: SLMAP (sarcolemma associated protein; plus strand). Cytogenetic location: 3p14.3.
Variant type: single nucleotide variant.
Coding change: c.*70G>A on transcript NM_001377540.1 (MANE Select); 70 bases downstream of the stop codon, G replaced by A.
Molecular consequence: 3 prime UTR variant. On other transcripts: missense variant (10), non-coding transcript variant (1).
Genome position (GRCh38, 1-based): chr3:57,927,359, G>A. VCF-style: chr3-57927359-G-A. GRCh37 (hg19) VCF-style: chr3-57913086-G-A.
Other names: c.2458G>A, p.Val820Met (NM_001304420.3); c.2344G>A, p.Val782Met (NM_001304421.2, NM_001377557.1); c.1060G>A, p.Val354Met (NM_001304422.3); c.862G>A, p.Val288Met (NM_001304423.3); c.*70G>A (NM_001311178.2, NM_001377541.1, NM_001377542.1 and 12 more transcripts); c.2530G>A, p.Val844Met (NM_001377538.1); c.2509G>A, p.Val837Met (NM_001377539.1); c.2395G>A, p.Val799Met (NM_001377551.1); and 2 more; short protein forms V288M, V820M, V837M, V782M, V313M, V803M, V844M, V354M.
Identifiers: ClinVar variation 1790815 (VCV001790815.5), dbSNP rs1474965642, ClinGen allele CA353411703.